The following is an entry in ClinVar:

NM_000466.3(PEX1):c.1135G>A (p.Glu379Lys)

Gene: PEX1 (peroxisomal biogenesis factor 1; minus strand). Cytogenetic location: 7q21.2.
Variant type: single nucleotide variant.
Coding change: c.1135G>A on transcript NM_000466.3 (MANE Select); coding-DNA position 1135, G replaced by A.
Protein change: p.Glu379Lys; replaces glutamic acid 379 with lysine.
Molecular consequence: missense variant.
Genome position (GRCh38, 1-based): chr7:92,517,380, C>T on the plus strand (G>A on the coding strand, the complement: PEX1 is on the minus strand). VCF-style: chr7-92517380-C-T. GRCh37 (hg19) VCF-style: chr7-92146694-C-T.
Other names: c.1135G>A, p.Glu379Lys (NM_001282677.2); c.511G>A, p.Glu171Lys (NM_001282678.2); c.1135G>A (NM_000466.2); short protein forms E379K, E171K.
Identifiers: ClinVar variation 2201763 (VCV002201763.2), dbSNP rs763604547, ClinGen allele CA4341485.

ClinVar aggregate classification (germline): Uncertain significance. Review status: criteria provided, multiple submitters, no conflicts (2 of 4 stars). 2 submissions from 2 submitters: Uncertain significance (2). Last evaluated 2024-06-17.

Conditions:
Inborn genetic diseases. Identifiers: MedGen C0950123, MeSH D030342.
Zellweger spectrum disorders (ZS). Also called: Zellweger Spectrum Disorder; Zellweger Spectrum; Zellweger Spectrum Disorder (ZSD); Zellweger syndrome. Identifiers: Orphanet 912, MedGen C0043459, MONDO:0019609.

Allele frequency attached by ClinVar (database versions not stated): ExAC 0.00001; gnomAD 0.00001; gnomAD exomes 0.00001; TOPMed 0.00001.
gnomAD v4.1: 17 of 1,613,696 alleles (0.0011%); highest among the groups gnomAD compares: Non-Finnish European, 0.0014%; no homozygotes.

Submissions (2):

Ambry Genetics
Classification: Uncertain significance for Inborn genetic diseases. Last evaluated: 2024-06-17. Review status: criteria provided, single submitter. Criteria: Ambry Variant Classification Scheme 2023. Collection method: clinical testing. Allele origin: germline.

Labcorp Genetics (formerly Invitae), Labcorp
Classification: Uncertain significance for Zellweger spectrum disorders. Last evaluated: 2022-08-31. Review status: criteria provided, single submitter. Criteria: Invitae Variant Classification Sherloc (09022015). Collection method: clinical testing. Allele origin: germline.
Comment: This sequence change replaces glutamic acid, which is acidic and polar, with lysine, which is basic and polar, at codon 379 of the PEX1 protein (p.Glu379Lys). This variant is present in population databases (rs763604547, gnomAD 0.004%). This variant has not been reported in the literature in individuals affected with PEX1-related conditions. Advanced modeling of protein sequence and biophysical properties (such as structural, functional, and spatial information, amino acid conservation, physicochemical variation, residue mobility, and thermodynamic stability) performed at Invitae indicates that this missense variant is not expected to disrupt PEX1 protein function. In summary, the available evidence is currently insufficient to determine the role of this variant in disease. Therefore, it has been classified as a Variant of Uncertain Significance.